The following is an entry in ClinVar:

NM_001173464.2(KIF21A):c.162A>G (p.Val54=)

Gene: KIF21A (kinesin family member 21A; minus strand). Cytogenetic location: 12q12.
Variant type: single nucleotide variant.
Coding change: c.162A>G on transcript NM_001173464.2 (MANE Select); coding-DNA position 162, A replaced by G.
Protein change: p.Val54=; no amino-acid change (valine 54 retained).
Molecular consequence: synonymous variant.
Genome position (GRCh38, 1-based): chr12:39,370,144, T>C on the plus strand (A>G on the coding strand, the complement: KIF21A is on the minus strand). VCF-style: chr12-39370144-T-C. GRCh37 (hg19) VCF-style: chr12-39763946-T-C.
Other names: c.162A>G, p.Val54= (NM_001173463.2, NM_001173465.2, NM_017641.4).
Identifiers: ClinVar variation 308592 (VCV000308592.5), dbSNP rs754537818, ClinGen allele CA6511323.

ClinVar aggregate classification (germline): Likely benign (1 of 4 stars; one submission).

Conditions:
Congenital fibrosis of extraocular muscles type 1. Also called: CFEOM3B; BLEPHAROPTOSIS WITH ABSENT EYE MOVEMENTS; OPHTHALMOPLEGIA, CONGENITAL; FEOM1 LOCUS. Identifiers: MedGen C1851102, MONDO:0021083, OMIM 135700.

Allele frequency attached by ClinVar (database versions not stated): gnomAD exomes 0.00004 and 0.00009; ExAC 0.00004; gnomAD 0.00011; TOPMed 0.00019.
gnomAD v4.1: 74 of 1,613,470 alleles (0.0046%); highest among the groups gnomAD compares: Middle Eastern, 0.18%; no homozygotes.

Submission:

Illumina Laboratory Services, Illumina
Classification: Likely benign for Congenital fibrosis of extraocular muscles type 1. Last evaluated: 2018-01-13. Review status: criteria provided, single submitter. Criteria: ICSL Variant Classification Criteria 13 December 2019. Collection method: clinical testing. Allele origin: germline.
Comment: This variant was observed in the ICSL laboratory as part of a predisposition screen in an ostensibly healthy population. It had not been previously curated by ICSL or reported in the Human Gene Mutation Database (HGMD: prior to June 1st, 2018), and was therefore a candidate for classification through an automated scoring system. Utilizing variant allele frequency, disease prevalence and penetrance estimates, and inheritance mode, an automated score was calculated to assess if this variant is too frequent to cause the disease. Based on the score and internal cut-off values, a variant classified as likely benign is not then subjected to further curation. The score for this variant resulted in a classification of likely benign for this disease.